The following is an entry in ClinVar:

ClinVar aggregate classification (germline): Pathogenic. Review status: criteria provided, multiple submitters, no conflicts (2 of 4 stars). 14 submissions from 14 submitters: Pathogenic (11). 3 of the submissions do not count toward it. Last evaluated 2025-11-16.

Conditions:
CYP27A1-related disorder. Also called: CYP27A1-related condition.
Cholestanol storage disease (CTX). Also called: CEREBRAL CHOLESTERINOSIS; Cerebrotendinous Xanthomatosis; CTX: Cerebrotendinous xanthomatosis. Identifiers: Orphanet 909, MedGen C0238052, MONDO:0008948, OMIM 213700.

Allele frequency attached by ClinVar (database versions not stated): gnomAD exomes 0.00003; TOPMed 0.00003; ExAC 0.00005.
gnomAD v4.1: 104 of 1,614,094 alleles (0.0064%); highest among the groups gnomAD compares: African/African-American, 0.008%; no homozygotes.

Submissions (14):

Labcorp Genetics (formerly Invitae), Labcorp
Classification: Pathogenic for Cholestanol storage disease. Last evaluated: 2025-11-16. Review status: criteria provided, single submitter. Criteria: Invitae Variant Classification Sherloc (09022015). Collection method: clinical testing. Allele origin: germline.
Comment: This sequence change affects a donor splice site in intron 7 of the CYP27A1 gene. RNA analysis indicates that disruption of this splice site induces altered splicing and may result in an absent or altered protein product. This variant is present in population databases (rs397515355, gnomAD 0.005%). Disruption of this splice site has been observed in individuals with cerebrotendinous xanthomatosis (PMID: 8827518, 26622071, 27878435). It has also been observed to segregate with disease in related individuals. ClinVar contains an entry for this variant (Variation ID: 4262). Studies have shown that disruption of this splice site results in skipping of exon 7, and produces a non-functional protein and/or introduces a premature termination codon (PMID: 8827518). For these reasons, this variant has been classified as Pathogenic.

Dasa
Classification: Pathogenic. Last evaluated: 2025-11-13. Review status: criteria provided, single submitter. Criteria: DASA Assertion Criteria. Collection method: clinical testing. Allele origin: germline.
Comment: NM_000784.4(CYP27A1):c.1263+1G>A introduces a premature termination codon predicted to result in loss of normal protein function. Loss-of-function is an established mechanism of disease for this gene. This variant has been observed in affected individuals with related phenotype in a genotype context consistent with recessive disease (PMID: 8827518; PMID: 26622071; PMID: 27878435). This variant has been recurrently observed in individuals with related phenotype (PMID: 8827518; PMID: 26622071; PMID: 27878435). The variant is present at low frequency in population datasets. Based on the available data, this variant is classified as pathogenic.

Natera, Inc.
Classification: Pathogenic for Cerebrotendinous xanthomatosis. Last evaluated: 2025-11-06. Review status: criteria provided, single submitter. Criteria: Natera Variant Classification Schema (03/2026). Collection method: clinical testing. Allele origin: germline.
Comment: The c.1263+1G>A variant in CYP27A1 is a canonical splice donor site variant predicted to affect pre-mRNA splicing, which may result in an abnormal transcript and altered protein product. This variant is expected to result in nonsense mediated decay, truncation, or a dysfunctional protein product. This variant is rare in the general population with a frequency below the threshold expected for the associated phenotype(s). This variant has been observed in one or more individuals affected with the associated recessive disease, as either homozygous or compound heterozygous with a second variant (PMID: 33830582). Given the available evidence, this variant is classified as Pathogenic.

Women's Health and Genetics/Laboratory Corporation of America, LabCorp
Classification: Pathogenic for Cholestanol storage disease. Last evaluated: 2024-08-02. Review status: criteria provided, single submitter. Criteria: LabCorp Variant Classification Summary - May 2015. Collection method: clinical testing. Allele origin: germline.
Comment: Variant summary: CYP27A1 c.1263+1G>A is located in a canonical splice-site and is predicted to affect mRNA splicing resulting in a significantly altered protein due to either exon skipping, shortening, or inclusion of intronic material. Variants that disrupt the consensus splice site are a relatively common cause of aberrant splicing and loss of CYP27A1 function. Several computational tools predict a significant impact on normal splicing: Four predict the variant abolishes a canonical 5' splicing donor site. At least one publication reports experimental evidence that this variant affects mRNA splicing (Maddirevula_2020). The variant allele was found at a frequency of 2.8e-05 in 251476 control chromosomes (gnomAD). c.1263+1G>A has been reported in the literature in multiple individuals affected with Cerebrotendinous Xanthomatosis (e.g. Khan_2015). These data indicate that the variant is very likely to be associated with disease. The following publications have been ascertained in the context of this evaluation (PMID: 32552793, 26622071). ClinVar contains an entry for this variant (Variation ID: 4262). Based on the evidence outlined above, the variant was classified as pathogenic.

Blueprint Genetics
Classification: Pathogenic for CYP27A1-related disorders. Last evaluated: 2024-04-23. Review status: criteria provided, single submitter. Criteria: ACMG Guidelines, 2015. Collection method: clinical testing. Allele origin: germline. Affected: yes. Observed: 5 variant alleles.

Fulgent Genetics
Classification: Pathogenic for Cholestanol storage disease. Last evaluated: 2024-04-06. Review status: criteria provided, single submitter. Criteria: ACMG Guidelines, 2015. Collection method: clinical testing. Allele origin: germline.

GeneDx
Classification: Pathogenic. Last evaluated: 2021-11-16. Review status: criteria provided, single submitter. Criteria: GeneDx Variant Classification Process June 2021. Collection method: clinical testing. Allele origin: germline. Affected: yes.
Comment: Published functional studies demonstrate a damaging effect by skipping of exon 7 and a minimal amount of detectable mRNA product (Garuti et al., 1996); Canonical splice site variant predicted to result in a null allele in a gene for which loss-of-function is a known mechanism of disease; This variant is associated with the following publications: (PMID: 26622071, 28894950, 25525159, 21104094, 22527785, 27878435, 22935719, 26874936, 23375591, 26153518, 10519880, 8827518, 33414089, 33830582, 16816916, 22878431, 28324197, 28937538, 31970228, 32552793, 32714376, 33269283, 33313117, 27706244, 26643207, 33967188, 34012265, 34689324, 20301583)

Myriad Genetics, Inc.
Classification: Pathogenic for Cholestanol storage disease. Last evaluated: 2021-11-01. Review status: criteria provided, single submitter. Criteria: Myriad Women's Health Autosomal Recessive and X-Linked Classification Criteria (2021). Collection method: clinical testing. Allele origin: unknown.
Comment: NM_000784.3(CYP27A1):c.1263+1G>A is a canonical splice variant classified as pathogenic in the context of cerebrotendinous xanthomatosis. c.1263+1G>A has been observed in cases with relevant disease (PMID: 33313117, 22878431). Functional assessments of this variant are available in the literature (PMID: 8827518). c.1263+1G>A has been observed in population frequency databases (gnomAD: NFE 0.01%). In summary, NM_000784.3(CYP27A1):c.1263+1G>A is a canonical splice variant in a gene where loss of function is a known mechanism of disease, is predicted to disrupt protein function, and has been observed more frequently in cases with the relevant disease than in healthy populations. Please note: this variant was assessed in the context of healthy population screening.

Revvity Omics, Revvity
Classification: Pathogenic for Cholestanol storage disease. Last evaluated: 2021-07-14. Review status: criteria provided, single submitter. Criteria: ACMG Guidelines, 2015. Collection method: clinical testing. Allele origin: germline.

Eurofins Ntd Llc (ga)
Classification: Pathogenic. Last evaluated: 2015-10-23. Review status: criteria provided, single submitter. Criteria: EGL Classification Definitions 2015. Collection method: clinical testing. Allele origin: germline. Observed: 1 variant allele, 1 heterozygote.

Juno Genomics, Hangzhou Juno Genomics, Inc
Classification: Pathogenic for Cholestanol storage disease. Review status: criteria provided, single submitter. Criteria: ACMG Guidelines, 2015. Collection method: clinical testing. Allele origin: germline.
Comment: Absent from controls (or at extremely low frequency if recessive) in Genome Aggregation Database.;Null variant in a gene where loss of function (LOF) is a known mechanism of disease.;For recessive disorders, detected in trans with a pathogenic variant.

PreventionGenetics, part of Exact Sciences
Classification: Pathogenic for CYP27A1-related condition. Last evaluated: 2024-08-20. Review status: no assertion criteria provided. Collection method: clinical testing. Allele origin: germline. Not counted in ClinVar's aggregate classification.
Comment: The CYP27A1 c.1263+1G>A variant is predicted to disrupt the GT donor site and interfere with normal splicing. This variant was reported in a homozygous state in several patient affected by cerebrotendinous xanthomatosis (CTX) (Garuti et al. 1996 PubMed ID: 8827518, Table S1, Maddirevula et al. 2020. PubMed ID: 32552793). Of note, substitutions of the same splice site, c.1263+1G>T and c.1263+5G>T, have been reported in CTX affected patients (Chang et al. 2022 PubMed ID: 36312475, Garuti et al. 1997. PubMed ID: 9392430). This variant is reported in 0.0050% of alleles in individuals of East Asian descent in gnomAD. Variants that disrupt the consensus splice donor site in CYP27A1 are expected to be pathogenic. This variant is interpreted as pathogenic.

GeneReviews
Classification: Pathogenic for Cerebrotendinous Xanthomatosis. Last evaluated: 2013-08-01. Review status: no assertion criteria provided. Collection method: curation. Allele origin: unknown. Not counted in ClinVar's aggregate classification.
ClinVar note: Converted during submission from pathologic to Pathogenic.

OMIM
Classification: Pathogenic for CEREBROTENDINOUS XANTHOMATOSIS. Last evaluated: 1999-11-01. Review status: no assertion criteria provided. Collection method: literature only. Allele origin: germline. Not counted in ClinVar's aggregate classification.

Literature cited by the submitters: PubMed 8827518 (cited by 3 submitters); PubMed 26622071 (cited by 3 submitters); PubMed 27878435 (cited by Labcorp Genetics (formerly Invitae), Labcorp and Dasa); PubMed 33830582 (cited by Natera, Inc.); PubMed 32552793 (cited by Women's Health and Genetics/Laboratory Corporation of America, LabCorp); PubMed 22878431 (cited by Myriad Genetics, Inc.); PubMed 33313117 (cited by Myriad Genetics, Inc.); PubMed 10519880 (cited by OMIM).

NM_000784.4(CYP27A1):c.1263+1G>A

Gene: CYP27A1 (cytochrome P450 family 27 subfamily A member 1; plus strand). Cytogenetic location: 2q35.
Variant type: single nucleotide variant.
Coding change: c.1263+1G>A on transcript NM_000784.4 (MANE Select); the canonical splice donor site of the intron after coding-DNA position 1263, G replaced by A.
Molecular consequence: splice donor variant.
Genome position (GRCh38, 1-based): chr2:218,814,459, G>A. VCF-style: chr2-218814459-G-A. GRCh37 (hg19) VCF-style: chr2-219679182-G-A.
Other names: IVS7, G-A, +1; c.1263G>A.
Identifiers: ClinVar variation 4262 (VCV000004262.37), dbSNP rs397515355, ClinGen allele CA340218.
Genomic context (GRCh38, chr2:218,814,459, plus strand): 5'-ACAAACTCCCGGATCATAGAAAAGGAAATTGAAGTTGATGGCTTCCTCTTCCCCAAGAAC[G>A]TGAGTGGGGCTAGAGAGCCCGATTGCCCAGGAGTGCCCTATGCCCCCGAAGAGAGGCATT-3'